The following is an entry in ClinVar:

NC_000001.10:g.(?_109816624)_(109816671_?)dup

Gene: CELSR2 (cadherin EGF LAG seven-pass G-type receptor 2; plus strand). Cytogenetic location: 1p13.3.
Variant type: Duplication.
Identifiers: ClinVar variation 2424163 (VCV002424163.4).

ClinVar aggregate classification (germline): Uncertain significance (1 of 4 stars; one submission).

Submission:

Labcorp Genetics (formerly Invitae), Labcorp
Classification: Uncertain significance. Last evaluated: 2022-08-24. Review status: criteria provided, single submitter. Criteria: Invitae Variant Classification Sherloc (09022015). Collection method: clinical testing. Allele origin: germline.
Comment: This variant results in a copy number gain of the genomic region encompassing exon(s) 34 of the CELSR2 gene. While the exact position of this variant cannot be determined from the data, sub-genic copy number gains are generally in tandem (PMID: 25640679). This variant is predicted to be out-of-frame, and may result in an absent or disrupted protein product. However, the current clinical and genetic evidence is not sufficient to establish whether loss-of-function variants in CELSR2 cause disease. This variant has not been reported in the literature in individuals affected with CELSR2-related conditions. In summary, the available evidence is currently insufficient to determine the role of this variant in disease. Therefore, it has been classified as a Variant of Uncertain Significance.

Literature cited by the submitters: PubMed 25640679.